The following is an entry in ClinVar:

ClinVar aggregate classification (germline): Uncertain significance. Review status: criteria provided, multiple submitters, no conflicts (2 of 4 stars). 4 submissions from 4 submitters: Uncertain significance (4). Last evaluated 2024-09-16.

Conditions:
Hereditary cancer-predisposing syndrome. Also called: Tumor predisposition; Hereditary Cancer Syndrome; Hereditary neoplastic syndrome; Neoplastic Syndromes, Hereditary. Identifiers: Orphanet 140162, MedGen C0027672, MeSH D009386, MONDO:0015356.

Allele frequency attached by ClinVar (database versions not stated): gnomAD exomes below 0.00001; TOPMed below 0.00001; gnomAD 0.00001.

Submissions (4):

Ambry Genetics
Classification: Uncertain significance for Hereditary cancer-predisposing syndrome. Last evaluated: 2024-09-16. Review status: criteria provided, single submitter. Criteria: Ambry Variant Classification Scheme 2023. Collection method: clinical testing. Allele origin: germline.
Comment: The p.A108T variant (also known as c.322G>A), located in coding exon 1 of the HOXB13 gene, results from a G to A substitution at nucleotide position 322. The alanine at codon 108 is replaced by threonine, an amino acid with similar properties. This amino acid position is not well conserved in available vertebrate species. In addition, this alteration is predicted to be tolerated by in silico analysis. Since supporting evidence is limited at this time, the clinical significance of this alteration remains unclear.

Quest Diagnostics Nichols Institute San Juan Capistrano
Classification: Uncertain significance. Last evaluated: 2024-07-02. Review status: criteria provided, single submitter. Criteria: Quest Diagnostics criteria. Collection method: clinical testing. Allele origin: unknown.
Comment: The HOXB13 c.322G>A (p.Ala108Thr) variant has not been reported in individuals with HOXB13-related conditions in the published literature. The frequency of this variant in the general population, 0.0000066 (1/152218 chromosomes (Genome Aggregation Database)), is uninformative in the assessment of its pathogenicity. Analysis of this variant using bioinformatics tools for the prediction of the effect of amino acid changes on protein structure and function yielded predictions that this variant is benign. Based on the available information, we are unable to determine the clinical significance of this variant.

Labcorp Genetics (formerly Invitae), Labcorp
Classification: Uncertain significance. Last evaluated: 2024-04-03. Review status: criteria provided, single submitter. Criteria: Invitae Variant Classification Sherloc (09022015). Collection method: clinical testing. Allele origin: germline.
Comment: This sequence change replaces alanine, which is neutral and non-polar, with threonine, which is neutral and polar, at codon 108 of the HOXB13 protein (p.Ala108Thr). This variant is not present in population databases (gnomAD no frequency). This variant has not been reported in the literature in individuals affected with HOXB13-related conditions. ClinVar contains an entry for this variant (Variation ID: 485697). Advanced modeling of protein sequence and biophysical properties (such as structural, functional, and spatial information, amino acid conservation, physicochemical variation, residue mobility, and thermodynamic stability) performed at Invitae indicates that this missense variant is not expected to disrupt HOXB13 protein function with a negative predictive value of 80%. In summary, the available evidence is currently insufficient to determine the role of this variant in disease. Therefore, it has been classified as a Variant of Uncertain Significance.

GeneDx
Classification: Uncertain significance. Last evaluated: 2023-11-21. Review status: criteria provided, single submitter. Criteria: GeneDx Variant Classification Process June 2021. Collection method: clinical testing. Allele origin: germline. Affected: yes.
Comment: Not observed at significant frequency in large population cohorts (gnomAD); In silico analysis supports that this missense variant does not alter protein structure/function; Has not been previously published as pathogenic or benign to our knowledge

NM_006361.6(HOXB13):c.322G>A (p.Ala108Thr)

Gene: HOXB13 (homeobox B13; minus strand). Cytogenetic location: 17q21.32.
Variant type: single nucleotide variant.
Coding change: c.322G>A on transcript NM_006361.6 (MANE Select); coding-DNA position 322, G replaced by A.
Protein change: p.Ala108Thr; replaces alanine 108 with threonine.
Molecular consequence: missense variant.
Genome position (GRCh38, 1-based): chr17:48,728,272, C>T on the plus strand (G>A on the coding strand, the complement: HOXB13 is on the minus strand). VCF-style: chr17-48728272-C-T. GRCh37 (hg19) VCF-style: chr17-46805634-C-T.
Other names: short protein forms A108T.
Identifiers: ClinVar variation 485697 (VCV000485697.17), dbSNP rs1418361636, ClinGen allele CA400107698.
Genomic context (GRCh38, chr17:48,728,272, plus strand): 5'-CAAACTCAGTGGGGCGGCTGGGGTACTCTTCCCCGGCCGTGGGAGTCTCCGCGGGGTACG[C>T]GGCCAGGGTGGCTGCCTGGGCACAGGGTTTCAGCGAGCTCCGGGACACTCGGCAGGAGTA-3'
Protein context (NP_006352.2, residues 98-118): KPCAQAATLA[Ala108Thr]YPAETPTAGE